The following is an entry in ClinVar:

NM_000257.4(MYH7):c.2571_2572delinsGG (p.Arg858Gly)

Genes: MYH7 (myosin heavy chain 7; minus strand), LOC126861898 (BRD4-independent group 4 enhancer GRCh37_chr14:23893609-23894808; plus strand). Cytogenetic location: 14q11.2.
Variant type: Indel.
Coding change: c.2571_2572delinsGG on transcript NM_000257.4 (MANE Select); coding-DNA positions 2571 to 2572, AC replaced by GG.
Protein change: p.Arg858Gly; replaces arginine 858 with glycine.
Molecular consequence: missense variant.
Genome position (GRCh38, 1-based): chr14:23,424,876-23,424,877, GT replaced by CC on the plus strand (AC replaced by GG on the coding strand, the reverse complement: MYH7 is on the minus strand). VCF-style: chr14-23424876-GT-CC. GRCh37 (hg19) VCF-style: chr14-23894085-GT-CC.
Other names: c.2571_2572delACinsGG, p.Arg858Gly (NM_001407004.1); short protein forms R858G.
Identifiers: ClinVar variation 2010009 (VCV002010009.4), dbSNP rs2502283548, ClinGen allele CA2580087912.
Genomic context (GRCh38, chr14:23,424,876, plus strand): 5'-CCATCTTCTCCTCCAGCTCCTTGCGGCGAGCCTCGGACTTCTCTAGCGCCTCTTTGAGGC[GT>CC]GTGAACTCCTCCTTCATGGAGGCCATCTCCTTCTCTCTTTCTGCACTCTTCAGCAGCGGC-3'
Protein context (NP_000248.2, residues 848-868): EMASMKEEFT[Arg858Gly]LKEALEKSEA

ClinVar aggregate classification (germline): Uncertain significance (1 of 4 stars; one submission).

Conditions:
Hypertrophic cardiomyopathy. Also called: HYPERTROPHIC MYOCARDIOPATHY. Identifiers: Orphanet 217569, MedGen C0007194, MeSH D002312, MONDO:0005045, HP:0001639.

Submission:

Labcorp Genetics (formerly Invitae), Labcorp
Classification: Uncertain significance for Hypertrophic cardiomyopathy. Last evaluated: 2022-06-24. Review status: criteria provided, single submitter. Criteria: Invitae Variant Classification Sherloc (09022015). Collection method: clinical testing. Allele origin: germline.
Comment: This sequence change replaces arginine, which is basic and polar, with glycine, which is neutral and non-polar, at codon 858 of the MYH7 protein (p.Arg858Gly). Information on the frequency of this variant in the gnomAD database is not available, as this variant may be reported differently in the database. This variant has not been reported in the literature in individuals affected with MYH7-related conditions. Experimental studies and prediction algorithms are not available or were not evaluated, and the functional significance of this variant is currently unknown. This variant disrupts the p.Arg858 amino acid residue in MYH7. Other variant(s) that disrupt this residue have been determined to be pathogenic (PMID: 15358028, 24093860, 28498465). This suggests that this residue is clinically significant, and that variants that disrupt this residue are likely to be disease-causing. In summary, the available evidence is currently insufficient to determine the role of this variant in disease. Therefore, it has been classified as a Variant of Uncertain Significance.

Literature cited by the submitters: PubMed 15358028; PubMed 24093860; PubMed 28498465.